The following is an entry in ClinVar:

ClinVar aggregate classification (germline): Uncertain significance. Review status: criteria provided, multiple submitters, no conflicts (2 of 4 stars). 4 submissions from 4 submitters: Uncertain significance (4). Last evaluated 2024-12-20.

Conditions:
Stiff skin syndrome (SSKS). Identifiers: Orphanet 2833, MedGen C1861456, MONDO:0008492, OMIM 184900.
Progeroid and marfanoid aspect-lipodystrophy syndrome. Also called: MARFANOID-PROGEROID SYNDROME; MARFAN-PROGEROID-LIPODYSTROPHY SYNDROME; Marfan lipodystrophy syndrome; MARFANOID-PROGEROID-LIPODYSTROPHY SYNDROME. Identifiers: Orphanet 300382, MedGen C4310796, MONDO:0014831, OMIM 616914.
Ectopia lentis 1, isolated, autosomal dominant (ECTOL1). Identifiers: Orphanet 1885, MedGen C3541518, MONDO:0007514, OMIM 129600.
MASS syndrome (OCTD). Also called: MASS PHENOTYPE; OVERLAP CONNECTIVE TISSUE DISEASE. Identifiers: MedGen C1858556, MONDO:0011431, OMIM 604308.
Marfan syndrome (MFS). Also called: FBN1-Related Marfan Syndrome; MARFAN SYNDROME, TYPE I; Marfan syndrome type 1; Marfan's syndrome; Marfan syndrome, classic. Identifiers: Orphanet 284963, Orphanet 558, MedGen C0024796, MONDO:0007947, OMIM 154700.
Weill-Marchesani syndrome 2, dominant. Also called: FBN1-Related Weill-Marchesani Syndrome; Weill-Marchesani Syndrome, Autosomal Dominant. Identifiers: Orphanet 2084, MedGen C1869115, MONDO:0012013, OMIM 608328.
Acromicric dysplasia (ACMICD). Also called: Acromicric skeletal dysplasia. Identifiers: Orphanet 969, MedGen C0265287, MONDO:0007055, OMIM 102370.
Geleophysic dysplasia 2 (GPHYSD2). Identifiers: Orphanet 2623, MedGen C3280054, MONDO:0013612, OMIM 614185.
Familial thoracic aortic aneurysm and aortic dissection (TAAD). Also called: Thoracic aortic aneurysms and dissections. Identifiers: Orphanet 91387, MedGen C4707243, MONDO:0019625.

Allele frequency attached by ClinVar (database versions not stated): gnomAD 0.00001; TOPMed below 0.00001.
gnomAD v4.1: 3 of 1,614,084 alleles (0.00019%); highest among the groups gnomAD compares: African/African-American, 0.004%; no homozygotes.

Submissions (4):

GeneDx
Classification: Uncertain significance. Last evaluated: 2024-12-20. Review status: criteria provided, single submitter. Criteria: GeneDx Variant Classification Process June 2021. Collection method: clinical testing. Allele origin: germline. Affected: yes.
Comment: Not observed at significant frequency in large population cohorts (gnomAD); In silico analysis indicates that this missense variant does not alter protein structure/function; Does not affect a cysteine or calcium-binding residue within an EGF-like domain or a TGF-binding protein domain of the FBN1 gene; cysteine substitutions in the EGF-like domains represent the majority of pathogenic missense changes associated with FBN1-related disorders (PMID: 12938084); Has not been previously published as pathogenic or benign to our knowledge; This variant is associated with the following publications: (PMID: 12938084)

All of Us Research Program, National Institutes of Health
Classification: Uncertain significance for Marfan syndrome. Last evaluated: 2024-09-06. Review status: criteria provided, single submitter. Criteria: ACMG Guidelines, 2015. Collection method: clinical testing. Allele origin: germline. Inheritance: Autosomal dominant inheritance. Observed: 2 variant alleles, 2 heterozygotes.
Comment: This study involves interpretation of variants in research participants for the purpose of population health screening. Participant phenotype was not available at the time of variant classification. Additional details can be found in publication PMID: 35346344, PMCID: PMC8962531

Labcorp Genetics (formerly Invitae), Labcorp
Classification: Uncertain significance for Marfan syndrome; Familial thoracic aortic aneurysm and aortic dissection. Last evaluated: 2023-11-13. Review status: criteria provided, single submitter. Criteria: Invitae Variant Classification Sherloc (09022015). Collection method: clinical testing. Allele origin: germline.
Comment: This sequence change replaces arginine, which is basic and polar, with lysine, which is basic and polar, at codon 636 of the FBN1 protein (p.Arg636Lys). This variant is not present in population databases (gnomAD no frequency). This variant has not been reported in the literature in individuals affected with FBN1-related conditions. ClinVar contains an entry for this variant (Variation ID: 1055825). Advanced modeling of protein sequence and biophysical properties (such as structural, functional, and spatial information, amino acid conservation, physicochemical variation, residue mobility, and thermodynamic stability) performed at Invitae indicates that this missense variant is not expected to disrupt FBN1 protein function with a negative predictive value of 95%. This variant disrupts the p.Arg636 amino acid residue in FBN1. Other variant(s) that disrupt this residue have been observed in individuals with FBN1-related conditions (PMID: 16222657, 24564502), which suggests that this may be a clinically significant amino acid residue. In summary, the available evidence is currently insufficient to determine the role of this variant in disease. Therefore, it has been classified as a Variant of Uncertain Significance.

Fulgent Genetics
Classification: Uncertain significance for Acromicric dysplasia; Ectopia lentis 1, isolated, autosomal dominant; Marfan syndrome; Stiff skin syndrome; MASS syndrome; Weill-Marchesani syndrome 2, dominant; Geleophysic dysplasia 2; Progeroid and marfanoid aspect-lipodystrophy syndrome. Last evaluated: 2021-10-16. Review status: criteria provided, single submitter. Criteria: ACMG Guidelines, 2015. Collection method: clinical testing. Allele origin: unknown.

Literature cited by the submitters: PubMed 16222657 (cited by Labcorp Genetics (formerly Invitae), Labcorp); PubMed 24564502 (cited by Labcorp Genetics (formerly Invitae), Labcorp).

NM_000138.5(FBN1):c.1907G>A (p.Arg636Lys)

Gene: FBN1 (fibrillin 1; minus strand). Cytogenetic location: 15q21.1.
Variant type: single nucleotide variant.
Coding change: c.1907G>A on transcript NM_000138.5 (MANE Select); coding-DNA position 1907, G replaced by A.
Protein change: p.Arg636Lys; replaces arginine 636 with lysine.
Molecular consequence: missense variant.
Genome position (GRCh38, 1-based): chr15:48,505,078, C>T on the plus strand (G>A on the coding strand, the complement: FBN1 is on the minus strand). VCF-style: chr15-48505078-C-T. GRCh37 (hg19) VCF-style: chr15-48797275-C-T.
Other names: short protein forms R636K.
Identifiers: ClinVar variation 1055825 (VCV001055825.13), dbSNP rs1335136151, ClinGen allele CA392339063.
Genomic context (GRCh38, chr15:48,505,078, plus strand): 5'-TTCTTACCAACACACACACGGCCATCCAGACCCACAGCCAGTCCAGGGAAGCATTCACAT[C>T]TGTAGGAGCCATCAGTGTTGACGCAACGCCCATTCATGCAGATCCCAGGGGTTTCACACT-3'
Protein context (NP_000129.3, residues 626-646): GRCVNTDGSY[Arg636Lys]CECFPGLAVG